The following is an entry in ClinVar:

NC_000007.13:g.(?_95951234)_(95951268_?)del

Gene: SLC25A13 (solute carrier family 25 member 13; minus strand). Cytogenetic location: 7q21.3.
Variant type: Deletion.
Identifiers: ClinVar variation 3245768 (VCV003245768.1).

ClinVar aggregate classification (germline): Pathogenic (1 of 4 stars; one submission).

Conditions:
Citrin deficiency. Identifiers: Orphanet 247582, MedGen C1997910, MONDO:0016602.

Submission:

Labcorp Genetics (formerly Invitae), Labcorp
Classification: Pathogenic for Citrin deficiency. Last evaluated: 2023-07-04. Review status: criteria provided, single submitter. Criteria: Invitae Variant Classification Sherloc (09022015). Collection method: clinical testing. Allele origin: unknown.
Comment: For these reasons, this variant has been classified as Pathogenic. This variant is a gross deletion of the genomic region encompassing exon(s) 1 of the SLC25A13 gene, which includes the initiator codon. This deletion extends beyond the assayed region for this gene and therefore may encompass additional genes. It is expected to result in an absent or disrupted protein product. Loss-of-function variants in SLC25A13 are known to be pathogenic (PMID: 10369257, 14680984, 27405544). A similar copy number variant has been observed in individual(s) with SLC25A13-related conditions (PMID: 29152073).

Literature cited by the submitters: PubMed 10369257; PubMed 14680984; PubMed 27405544; PubMed 29152073.